The following is an entry in ClinVar:

NM_007294.4(BRCA1):c.5057A>G (p.His1686Arg)

Gene: BRCA1 (BRCA1 DNA repair associated; minus strand). Cytogenetic location: 17q21.31.
Variant type: single nucleotide variant.
Coding change: c.5057A>G on transcript NM_007294.4 (MANE Select); coding-DNA position 5057, A replaced by G.
Protein change: p.His1686Arg; replaces histidine 1686 with arginine.
Molecular consequence: missense variant. On other transcripts: non-coding transcript variant (1).
Genome position (GRCh38, 1-based): chr17:43,067,625, T>C on the plus strand (A>G on the coding strand, the complement: BRCA1 is on the minus strand). VCF-style: chr17-43067625-T-C. GRCh37 (hg19) VCF-style: chr17-41219642-T-C.
Other names: c.4916A>G, p.His1639Arg (NM_007297.4, NM_001407728.1, NM_001407729.1 and 13 more transcripts); c.1745A>G, p.His582Arg (NM_007298.4, NM_007299.4, NM_007304.2 and 13 more transcripts); c.5120A>G, p.His1707Arg (NM_007300.4, NM_001407583.1, NM_001407585.1 and 1 more transcripts); c.4844A>G, p.His1615Arg (NM_001407571.1, NM_001407894.1, NM_001407895.1 and 12 more transcripts); c.5123A>G, p.His1708Arg (NM_001407581.1, NM_001407582.1); c.5117A>G, p.His1706Arg (NM_001407590.1, NM_001407591.1); c.5057A>G, p.His1686Arg (NM_001407593.1, NM_001407594.1, NM_001407596.1 and 8 more transcripts); c.5054A>G, p.His1685Arg (NM_001407610.1, NM_001407611.1, NM_001407612.1 and 17 more transcripts); and 70 more; short protein forms H1686R, H582R, H1707R, H1639R, H1684R, H406R, H455R, H474R.
Identifiers: ClinVar variation 183179 (VCV000183179.30), dbSNP rs730882166, ClinGen allele CA003177.

ClinVar aggregate classification (germline): Pathogenic/Likely pathogenic. Review status: criteria provided, multiple submitters, no conflicts (2 of 4 stars). 9 submissions from 9 submitters: Pathogenic (3); Likely pathogenic (4). 2 of the submissions do not count toward it. Last evaluated 2025-06-20.

Conditions:
Hereditary breast ovarian cancer syndrome. Also called: Hereditary breast and ovarian cancer syndrome; Hereditary breast and ovarian cancer syndrome (HBOC); BRCA1- and BRCA2-Associated Hereditary Breast and Ovarian Cancer; Breast and ovarian cancer; Hereditary breast and ovarian cancer; Hereditary breast and/or ovarian cancer syndrome. Identifiers: Orphanet 145, MedGen C0677776, MeSH D061325, MONDO:0003582. Disease mechanism: loss of function.
Hereditary cancer-predisposing syndrome. Also called: Hereditary Cancer Syndrome; Hereditary neoplastic syndrome; Tumor predisposition; Neoplastic Syndromes, Hereditary. Identifiers: Orphanet 140162, MedGen C0027672, MeSH D009386, MONDO:0015356.
Breast-ovarian cancer, familial, susceptibility to, 1 (BROVCA1). Also called: OVARIAN CANCER, SUSCEPTIBILITY TO; BRCA1 Hereditary Breast and Ovarian Cancer. Identifiers: Orphanet 145, MedGen C2676676, MONDO:0011450, OMIM 604370. Disease mechanism: loss of function.
Inherited ovarian cancer (without breast cancer).

Allele frequency attached by ClinVar (database versions not stated): gnomAD exomes below 0.00001.
gnomAD v4.1: 2 of 1,612,174 alleles (0.00012%); highest among the groups gnomAD compares: Non-Finnish European, 0.00017%; no homozygotes.

Submissions (10):

Quest Diagnostics Nichols Institute San Juan Capistrano
Classification: Pathogenic. Last evaluated: 2025-06-20. Review status: criteria provided, single submitter. Criteria: Quest Diagnostics criteria. Collection method: clinical testing. Allele origin: unknown.
Comment: The BRCA1 c.5057A>G (p.His1686Arg) variant has been reported in the published literature in individuals with breast and/or ovarian cancer (PMIDs: 33471991 (2021) see also LOVD, 28993434 (2018), 25452441 (2015), 18757339 (2008)). Assessment of experimental evidence indicates this variant has a damaging effect on protein function (PMIDs: 33691754 (2021)), 30209399 (2018), 23867111 (2013)). This variant has not been reported in large, multi-ethnic general populations (Genome Aggregation Database). Analysis of this variant using bioinformatics tools for the prediction of the effect of amino acid changes on protein structure and function yielded predictions that this variant is damaging. Based on the available information, this variant is classified as pathogenic.

Labcorp Genetics (formerly Invitae), Labcorp
Classification: Pathogenic for Hereditary breast ovarian cancer syndrome. Last evaluated: 2025-05-22. Review status: criteria provided, single submitter. Criteria: Invitae Variant Classification Sherloc (09022015). Collection method: clinical testing. Allele origin: germline.
Comment: This sequence change replaces histidine, which is basic and polar, with arginine, which is basic and polar, at codon 1686 of the BRCA1 protein (p.His1686Arg). This variant is not present in population databases (gnomAD no frequency). This missense change has been observed in individual(s) with breast cancer (PMID: 25452441, 28993434; internal data). It has also been observed to segregate with disease in related individuals. ClinVar contains an entry for this variant (Variation ID: 183179). Invitae Evidence Modeling incorporating data from in vitro experimental studies (PMID: 30209399) indicates that this missense variant is expected to disrupt BRCA1 function with a positive predictive value of 95%. Experimental studies have shown that this missense change affects BRCA1 function (PMID: 23867111, 30209399). This variant disrupts the p.His1686 amino acid residue in BRCA1. Other variant(s) that disrupt this residue have been determined to be pathogenic (PMID: 12496477, 18757339, 26306726, 30209399). This suggests that this residue is clinically significant, and that variants that disrupt this residue are likely to be disease-causing. For these reasons, this variant has been classified as Pathogenic.

Ambry Genetics
Classification: Likely pathogenic for Hereditary cancer-predisposing syndrome. Last evaluated: 2025-04-23. Review status: criteria provided, single submitter. Criteria: Ambry Variant Classification Scheme 2023. Collection method: clinical testing. Allele origin: germline.
Comment: The p.H1686R variant (also known as c.5057A>G), located in coding exon 15 of the BRCA1 gene, results from an A to G substitution at nucleotide position 5057. The histidine at codon 1686 is replaced by arginine, an amino acid with highly similar properties. One functional study found that this nucleotide substitution is non-functional in a high throughput genome editing haploid cell survival assay (Findlay GM et al. Nature, 2018 Oct;562:217-222). This alteration has been detected in 2/2575 unselected individuals diagnosed with breast cancer and 0/2809 healthy control individuals from a Malaysian cohort (Wen WX et al. J Med Genet, 2018 Feb;55:97-103). This amino acid position is highly conserved in available vertebrate species. In addition, this alteration is predicted to be deleterious by in silico analysis. This variant is considered to be rare based on population cohorts in the Genome Aggregation Database (gnomAD). Based on the majority of available evidence to date, this variant is likely to be pathogenic.

NHS Central & South Genomic Laboratory Hub
Classification: Likely pathogenic for Inherited ovarian cancer (without breast cancer). Last evaluated: 2025-04-09. Review status: criteria provided, single submitter. Criteria: ACMG Guidelines, 2015. Collection method: clinical testing. Allele origin: germline. Affected: yes.

Clinical Genetics Laboratory, Skane University Hospital Lund
Classification: Likely pathogenic. Last evaluated: 2022-05-27. Review status: criteria provided, single submitter. Criteria: ACMG Guidelines, 2015. Collection method: clinical testing. Allele origin: germline. Affected: yes.

GeneDx
Classification: Likely pathogenic. Last evaluated: 2020-11-06. Review status: criteria provided, single submitter. Criteria: GeneDx Variant Classification Process June 2021. Collection method: clinical testing. Allele origin: germline. Affected: yes.
Comment: Published functional studies demonstrate a damaging effect: impaired homologous recombination, embryonic growth complementation, cisplatin sensitivity, and was classified as non-functional based on a saturation genome editing assay measuring cell survival (Bouwman 2013, Findlay 2018, Bouwman 2020); Observed in individuals with breast cancer (Wen 2018); In silico analysis supports that this missense variant has a deleterious effect on protein structure/function; Not observed in large population cohorts (Lek 2016); Also known as c.5176A>G; This variant is associated with the following publications: (PMID: 17305420, 23867111, 28993434, 30209399, 32546644, 33087888)

Mayo Clinic Laboratories, Mayo Clinic
Classification: Pathogenic. Last evaluated: 2019-11-14. Review status: criteria provided, single submitter. Criteria: ACMG Guidelines, 2015. Collection method: clinical testing. Allele origin: germline. Observed: 1 variant allele.
Comment: PS3, PM1, PM2, PM5

Department of Medical and Surgical Sciences, University of Bologna
Classification: Likely pathogenic for Breast-ovarian cancer, familial, susceptibility to, 1. Last evaluated: 2023-09-01. Review status: no assertion criteria provided. Collection method: clinical testing. Allele origin: germline. Affected: yes. Not counted in ClinVar's aggregate classification.
Comment: PS3(Strong)+PM2(Supporting)+PP4(Supporting) according to ACMG/AMP classification guidelines specified for BRCA1 & BRCA2 (Classification Criteria V1.0.0 2023-09-08) (PMID: 38160042)

Institute of Human Genetics, Medical University Innsbruck
Classification: Pathogenic for Breast-ovarian cancer, familial 1. Last evaluated: 2015-02-11. Review status: no assertion criteria provided. Criteria: clinical testing. Collection method: clinical testing. Allele origin: germline. Affected: yes. Study: BRCA-Tyrol. Not counted in ClinVar's aggregate classification.
Comment: BRCA-mutation spectrum Western Austria

Brotman Baty Institute, University of Washington
No classification provided (evidence only). Condition: Breast-ovarian cancer, familial 1. Review status: no classification provided. Collection method: in vitro. Allele origin: not applicable. Functional consequence: functionally_abnormal. Not counted in ClinVar's aggregate classification.
ClinVar note: "not provided" was previously submitted as the classification for the variant. However, the classification appeared to be based only on an observation of functional data so it was converted to no classification on 2025-07-30.

Literature cited by the submitters: PubMed 30209399 (cited by 4 submitters); PubMed 28993434 (cited by 3 submitters); PubMed 26014432 (cited by Quest Diagnostics Nichols Institute San Juan Capistrano); PubMed 25452441 (cited by 3 submitters); PubMed 23867111 (cited by 4 submitters); PubMed 18757339 (cited by 3 submitters); PubMed 12496477 (cited by 3 submitters); PubMed 33691754 (cited by Quest Diagnostics Nichols Institute San Juan Capistrano); PubMed 26306726 (cited by Labcorp Genetics (formerly Invitae), Labcorp).